The following is an entry in ClinVar:

NM_005732.4(RAD50):c.665A>C (p.Glu222Ala)

Gene: RAD50 (RAD50 double strand break repair protein; plus strand). Cytogenetic location: 5q31.1.
Variant type: single nucleotide variant.
Coding change: c.665A>C on transcript NM_005732.4 (MANE Select); coding-DNA position 665, A replaced by C.
Protein change: p.Glu222Ala; replaces glutamic acid 222 with alanine.
Molecular consequence: missense variant.
Genome position (GRCh38, 1-based): chr5:132,579,975, A>C. VCF-style: chr5-132579975-A-C. GRCh37 (hg19) VCF-style: chr5-131915667-A-C.
Other names: short protein forms E222A.
Identifiers: ClinVar variation 4149736 (VCV004149736.1).

ClinVar aggregate classification (germline): Uncertain significance (1 of 4 stars; one submission).

Conditions:
Hereditary cancer-predisposing syndrome. Also called: Hereditary neoplastic syndrome; Neoplastic Syndromes, Hereditary; Tumor predisposition; Hereditary Cancer Syndrome. Identifiers: Orphanet 140162, MedGen C0027672, MeSH D009386, MONDO:0015356.

Submission:

Ambry Genetics
Classification: Uncertain significance for Hereditary cancer-predisposing syndrome. Last evaluated: 2025-08-23. Review status: criteria provided, single submitter. Criteria: Ambry Variant Classification Scheme 2023. Collection method: clinical testing. Allele origin: germline.
Comment: The p.E222A variant (also known as c.665A>C), located in coding exon 5 of the RAD50 gene, results from an A to C substitution at nucleotide position 665. The glutamic acid at codon 222 is replaced by alanine, an amino acid with dissimilar properties. This amino acid position is conserved. In addition, this alteration is predicted to be tolerated by in silico analysis. Based on the available evidence, the clinical significance of this variant remains unclear.